The following is an entry in ClinVar:

ClinVar aggregate classification (germline): Uncertain significance (1 of 4 stars; one submission).

Allele frequency attached by ClinVar (database versions not stated): gnomAD 0.00001 and 0.00003; gnomAD exomes 0.00001; TOPMed 0.00001; ExAC 0.00002; 1000 Genomes Project 30x 0.00016; 1000 Genomes Project 0.00020.
gnomAD v4.1: 30 of 1,614,080 alleles (0.0019%); highest among the groups gnomAD compares: African/African-American, 0.023%; no homozygotes.

Submission:

Labcorp Genetics (formerly Invitae), Labcorp
Classification: Uncertain significance. Last evaluated: 2024-01-25. Review status: criteria provided, single submitter. Criteria: Invitae Variant Classification Sherloc (09022015). Collection method: clinical testing. Allele origin: germline.
Comment: This sequence change replaces proline, which is neutral and non-polar, with alanine, which is neutral and non-polar, at codon 1216 of the FBN3 protein (p.Pro1216Ala). This variant is present in population databases (rs111247614, gnomAD 0.007%). This variant has not been reported in the literature in individuals affected with FBN3-related conditions. ClinVar contains an entry for this variant (Variation ID: 1427856). Advanced modeling of protein sequence and biophysical properties (such as structural, functional, and spatial information, amino acid conservation, physicochemical variation, residue mobility, and thermodynamic stability) has been performed at Invitae for this missense variant, however the output from this modeling did not meet the statistical confidence thresholds required to predict the impact of this variant on FBN3 protein function. In summary, the available evidence is currently insufficient to determine the role of this variant in disease. Therefore, it has been classified as a Variant of Uncertain Significance.

NM_032447.5(FBN3):c.3646C>G (p.Pro1216Ala)

Gene: FBN3 (fibrillin 3; minus strand). Cytogenetic location: 19p13.2.
Variant type: single nucleotide variant.
Coding change: c.3646C>G on transcript NM_032447.5 (MANE Select); coding-DNA position 3646, C replaced by G.
Protein change: p.Pro1216Ala; replaces proline 1216 with alanine.
Molecular consequence: missense variant.
Genome position (GRCh38, 1-based): chr19:8,116,740, G>C on the plus strand (C>G on the coding strand, the complement: FBN3 is on the minus strand). VCF-style: chr19-8116740-G-C. GRCh37 (hg19) VCF-style: chr19-8181624-G-C.
Other names: c.3646C>G, p.Pro1216Ala (NM_001321431.2); short protein forms P1216A.
Identifiers: ClinVar variation 1427856 (VCV001427856.6), dbSNP rs111247614, ClinGen allele CA9152378.